The following is an entry in ClinVar:

ClinVar aggregate classification (germline): Uncertain significance (1 of 4 stars; one submission).

Conditions:
Genitopatellar syndrome (GTPTS). Also called: ABSENT PATELLAE, SCROTAL HYPOPLASIA, RENAL ANOMALIES, FACIAL DYSMORPHISM, AND MENTAL RETARDATION; Genitopatellar syndrome (GPS). Identifiers: Orphanet 85201, MedGen C1853566, MONDO:0011640, OMIM 606170.

gnomAD v4.1: 5 of 1,614,152 alleles (0.00031%); highest among the groups gnomAD compares: East Asian, 0.0022%; no homozygotes.

Submission:

Labcorp Genetics (formerly Invitae), Labcorp
Classification: Uncertain significance for Genitopatellar syndrome. Last evaluated: 2024-12-03. Review status: criteria provided, single submitter. Criteria: Invitae Variant Classification Sherloc (09022015). Collection method: clinical testing. Allele origin: germline.
Comment: This sequence change replaces arginine, which is basic and polar, with glutamine, which is neutral and polar, at codon 1797 of the KAT6B protein (p.Arg1797Gln). This variant is present in population databases (rs777556102, gnomAD 0.0009%). This missense change has been observed in individual(s) with a neurodevelopmental disorder (PMID: 33004838). An algorithm developed to predict the effect of missense changes on protein structure and function (PolyPhen-2) suggests that this variant is likely to be disruptive. In summary, the available evidence is currently insufficient to determine the role of this variant in disease. Therefore, it has been classified as a Variant of Uncertain Significance.

Literature cited by the submitters: PubMed 33004838.

NM_012330.4(KAT6B):c.5390G>A (p.Arg1797Gln)

Gene: KAT6B (lysine acetyltransferase 6B; plus strand). Cytogenetic location: 10q22.2.
Variant type: single nucleotide variant.
Coding change: c.5390G>A on transcript NM_012330.4 (MANE Select); coding-DNA position 5390, G replaced by A.
Protein change: p.Arg1797Gln; replaces arginine 1797 with glutamine.
Molecular consequence: missense variant.
Genome position (GRCh38, 1-based): chr10:75,030,214, G>A. VCF-style: chr10-75030214-G-A. GRCh37 (hg19) VCF-style: chr10-76789972-G-A.
Other names: c.4841G>A, p.Arg1614Gln (NM_001370138.1, NM_001256468.2); c.4514G>A, p.Arg1505Gln (NM_001370139.1, NM_001370140.1, NM_001370141.1 and 2 more transcripts); c.4325G>A, p.Arg1442Gln (NM_001370143.1, NM_001370144.1); c.4352G>A, p.Arg1451Gln (NM_001370132.1); c.3701G>A, p.Arg1234Gln (NM_001370133.1); c.3305G>A, p.Arg1102Gln (NM_001370134.1); c.3047G>A, p.Arg1016Gln (NM_001370135.1); c.5390G>A, p.Arg1797Gln (NM_001370136.1, NM_001370137.1); short protein forms R1614Q, R1451Q, R1234Q, R1442Q, R1505Q, R1797Q, R1016Q, R1102Q.
Identifiers: ClinVar variation 3709595 (VCV003709595.2).